The following is an entry in ClinVar:

NM_013447.4(ADGRE2):c.1544C>A (p.Thr515Asn)

Gene: ADGRE2 (adhesion G protein-coupled receptor E2; minus strand). Cytogenetic location: 19p13.12.
Variant type: single nucleotide variant.
Coding change: c.1544C>A on transcript NM_013447.4 (MANE Select); coding-DNA position 1544, C replaced by A.
Protein change: p.Thr515Asn; replaces threonine 515 with asparagine.
Molecular consequence: missense variant. On other transcripts: intron variant (1).
Genome position (GRCh38, 1-based): chr19:14,755,000, G>T on the plus strand (C>A on the coding strand, the complement: ADGRE2 is on the minus strand). VCF-style: chr19-14755000-G-T. GRCh37 (hg19) VCF-style: chr19-14865812-G-T.
Other names: c.1397C>A, p.Thr466Asn (NM_152916.2); c.1265C>A, p.Thr422Asn (NM_152917.2); c.1416+654C>A (NM_001271052.1); short protein forms T422N, T466N, T515N.
Identifiers: ClinVar variation 4782013 (VCV004782013.1).

ClinVar aggregate classification (germline): Uncertain significance (1 of 4 stars; one submission).

Submission:

Labcorp Genetics (formerly Invitae), Labcorp
Classification: Uncertain significance. Last evaluated: 2025-08-23. Review status: criteria provided, single submitter. Criteria: Invitae Variant Classification Sherloc (09022015). Collection method: clinical testing. Allele origin: germline.
Comment: This sequence change replaces threonine, which is neutral and polar, with asparagine, which is neutral and polar, at codon 515 of the ADGRE2 protein (p.Thr515Asn). This variant is not present in population databases (gnomAD no frequency). This variant has not been reported in the literature in individuals affected with ADGRE2-related conditions. An algorithm developed to predict the effect of missense changes on protein structure and function outputs the following: PolyPhen-2: "Probably Damaging". The asparagine amino acid residue is found in multiple mammalian species, which suggests that this missense change does not adversely affect protein function. In summary, the available evidence is currently insufficient to determine the role of this variant in disease. Therefore, it has been classified as a Variant of Uncertain Significance.